The following is an entry in ClinVar:

ClinVar aggregate classification (germline): Uncertain significance (1 of 4 stars; one submission).

Conditions:
Hereditary cancer-predisposing syndrome. Also called: Neoplastic Syndromes, Hereditary; Tumor predisposition; Hereditary Cancer Syndrome; Hereditary neoplastic syndrome. Identifiers: Orphanet 140162, MedGen C0027672, MeSH D009386, MONDO:0015356.

Submission:

Ambry Genetics
Classification: Uncertain significance for Hereditary cancer-predisposing syndrome. Last evaluated: 2025-08-07. Review status: criteria provided, single submitter. Criteria: Ambry Variant Classification Scheme 2023. Collection method: clinical testing. Allele origin: germline.
Comment: The p.K584N variant (also known as c.1752A>T), located in coding exon 6 of the AXIN2 gene, results from an A to T substitution at nucleotide position 1752. The lysine at codon 584 is replaced by asparagine, an amino acid with similar properties. This amino acid position is conserved. In addition, this alteration is predicted to be tolerated by in silico analysis. Based on the available evidence, the clinical significance of this variant remains unclear.

NM_004655.4(AXIN2):c.1752A>T (p.Lys584Asn)

Gene: AXIN2 (axin 2; minus strand). Cytogenetic location: 17q24.1.
Variant type: single nucleotide variant.
Coding change: c.1752A>T on transcript NM_004655.4 (MANE Select); coding-DNA position 1752, A replaced by T.
Protein change: p.Lys584Asn; replaces lysine 584 with asparagine.
Molecular consequence: missense variant. On other transcripts: intron variant (1).
Genome position (GRCh38, 1-based): chr17:65,537,024, T>A on the plus strand (A>T on the coding strand, the complement: AXIN2 is on the minus strand). VCF-style: chr17-65537024-T-A. GRCh37 (hg19) VCF-style: chr17-63533142-T-A.
Other names: c.1712+300A>T (NM_001363813.1); short protein forms K584N.
Identifiers: ClinVar variation 4187617 (VCV004187617.1).